The following is an entry in ClinVar:

NM_006005.3(WFS1):c.233-4197T>C

Gene: WFS1 (wolframin ER transmembrane glycoprotein; plus strand). Cytogenetic location: 4p16.1.
Variant type: single nucleotide variant.
Coding change: c.233-4197T>C on transcript NM_006005.3 (MANE Select); 4197 bases into the intron before coding-DNA position 233, T replaced by C.
Molecular consequence: intron variant.
Genome position (GRCh38, 1-based): chr4:6,282,896, T>C. VCF-style: chr4-6282896-T-C. GRCh37 (hg19) VCF-style: chr4-6284623-T-C.
Other names: c.233-4197T>C (NM_001145853.1).
Identifiers: ClinVar variation 2654619 (VCV002654619.24), dbSNP rs79772547, ClinGen allele CA91791033.
Genomic context (GRCh38, chr4:6,282,896, plus strand): 5'-TCAGCCAGGGAGGTGCTGTGTCCTGGACTATGCTAGGATTTCAGAAGGAGAGAGGGCAGC[T>C]GCAGGCCCTATTTGCAGTGGCTTCCTCCTGGAATCCCCGTCTGCTCCCTGTGTACTGTCC-3'

ClinVar aggregate classification (germline): Likely benign (1 of 4 stars; one submission).

Allele frequency attached by ClinVar (database versions not stated): 1000 Genomes Project 0.00379; 1000 Genomes Project 30x 0.00406; gnomAD 0.00505; TOPMed 0.00556.
gnomAD v4.1: 777 of 152,362 alleles (0.51%); highest among the groups gnomAD compares: Middle Eastern, 1.7%; 6 homozygotes.

Submission:

CeGaT Center for Human Genetics Tuebingen
Classification: Likely benign. Last evaluated: 2026-09-01. Review status: criteria provided, single submitter. Criteria: CeGaT Center For Human Genetics Tuebingen Variant Classification Criteria Version 2. Collection method: clinical testing. Allele origin: germline. Affected: yes. Observed: 17 variant alleles.
Comment: WFS1: BS2